The following is an entry in ClinVar:

NM_031935.3(HMCN1):c.9800T>C (p.Val3267Ala)

Gene: HMCN1 (hemicentin 1; plus strand). Cytogenetic location: 1q31.1.
Variant type: single nucleotide variant.
Coding change: c.9800T>C on transcript NM_031935.3 (MANE Select); coding-DNA position 9800, T replaced by C.
Protein change: p.Val3267Ala; replaces valine 3267 with alanine.
Molecular consequence: missense variant.
Genome position (GRCh38, 1-based): chr1:186,090,830, T>C. VCF-style: chr1-186090830-T-C. GRCh37 (hg19) VCF-style: chr1-186059962-T-C.
Other names: short protein forms V3267A.
Identifiers: ClinVar variation 1962951 (VCV001962951.5), dbSNP rs778348483, ClinGen allele CA1293541.

ClinVar aggregate classification (germline): Uncertain significance (1 of 4 stars; one submission).

Allele frequency attached by ClinVar (database versions not stated): ExAC 0.00001.
gnomAD v4.1: 1 of 1,612,716 alleles (0.000062%); highest among the groups gnomAD compares: Admixed American, 0.0017%; no homozygotes.

Submission:

Labcorp Genetics (formerly Invitae), Labcorp
Classification: Uncertain significance. Last evaluated: 2024-02-23. Review status: criteria provided, single submitter. Criteria: Invitae Variant Classification Sherloc (09022015). Collection method: clinical testing. Allele origin: germline.
Comment: This sequence change replaces valine, which is neutral and non-polar, with alanine, which is neutral and non-polar, at codon 3267 of the HMCN1 protein (p.Val3267Ala). This variant is present in population databases (rs778348483, gnomAD 0.003%). This variant has not been reported in the literature in individuals affected with HMCN1-related conditions. ClinVar contains an entry for this variant (Variation ID: 1962951). Algorithms developed to predict the effect of missense changes on protein structure and function output the following: SIFT: "Not Available"; PolyPhen-2: "Benign"; Align-GVGD: "Not Available". The alanine amino acid residue is found in multiple mammalian species, which suggests that this missense change does not adversely affect protein function. In summary, the available evidence is currently insufficient to determine the role of this variant in disease. Therefore, it has been classified as a Variant of Uncertain Significance.